The following is an entry in ClinVar:

ClinVar aggregate classification (germline): Uncertain significance (1 of 4 stars; one submission).

Submission:

GeneDx
Classification: Uncertain significance. Last evaluated: 2023-06-22. Review status: criteria provided, single submitter. Criteria: GeneDx Variant Classification Process June 2021. Collection method: clinical testing. Allele origin: germline. Affected: yes.
Comment: Not observed at significant frequency in large population cohorts (gnomAD); In silico analysis supports that this missense variant has a deleterious effect on protein structure/function; Has not been previously published as pathogenic or benign to our knowledge

NM_078480.3(PUF60):c.1535T>C (p.Ile512Thr)

Gene: PUF60 (poly(U) binding splicing factor 60; minus strand). Cytogenetic location: 8q24.3.
Variant type: single nucleotide variant.
Coding change: c.1535T>C on transcript NM_078480.3 (MANE Select); coding-DNA position 1535, T replaced by C.
Protein change: p.Ile512Thr; replaces isoleucine 512 with threonine.
Molecular consequence: missense variant.
Genome position (GRCh38, 1-based): chr8:143,816,665, A>G on the plus strand (T>C on the coding strand, the complement: PUF60 is on the minus strand). VCF-style: chr8-143816665-A-G. GRCh37 (hg19) VCF-style: chr8-144898835-A-G.
Other names: c.1406T>C, p.Ile469Thr (NM_001136033.3); c.1481T>C, p.Ile494Thr (NM_001271096.2); c.1397T>C, p.Ile466Thr (NM_001271097.2); c.1532T>C, p.Ile511Thr (NM_001271098.2); c.1448T>C, p.Ile483Thr (NM_001271099.2); c.1355T>C, p.Ile452Thr (NM_001271100.2); c.1646T>C, p.Ile549Thr (NM_001362895.2, NM_001362896.2); c.1595T>C, p.Ile532Thr (NM_001362897.2); and 1 more; short protein forms I452T, I466T, I469T, I483T, I494T, I495T, I511T, I512T.
Identifiers: ClinVar variation 3360256 (VCV003360256.1).